The following is an entry in ClinVar:

NM_004817.4(TJP2):c.1056+2T>C

Gene: TJP2 (tight junction protein 2; plus strand). Cytogenetic location: 9q21.11.
Variant type: single nucleotide variant.
Coding change: c.1056+2T>C on transcript NM_004817.4 (MANE Select); the canonical splice donor site of the intron after coding-DNA position 1056, T replaced by C.
Molecular consequence: splice donor variant.
Genome position (GRCh38, 1-based): chr9:69,225,409, T>C. VCF-style: chr9-69225409-T-C. GRCh37 (hg19) VCF-style: chr9-71840325-T-C.
Other names: c.987+2T>C (NM_001170414.2, NM_001369870.1, NM_001369871.1); c.1056+2T>C (NM_201629.3, NM_001369872.1, NM_001369873.1); c.1068+2T>C (NM_001170415.1, NM_001369875.1, NM_001369874.1); c.1149+2T>C (NM_001170416.2).
Identifiers: ClinVar variation 489223 (VCV000489223.11), dbSNP rs1278244243, ClinGen allele CA373530379.

ClinVar aggregate classification (germline): Conflicting classifications of pathogenicity. Review status: criteria provided, conflicting classifications (1 of 4 stars). 4 submissions from 4 submitters: Likely pathogenic (3); Uncertain significance (1). Last evaluated 2025-10-21.

Conditions:
TJP2-related disorder. Also called: TJP2-related condition.
Hypercholanemia, familial 1 (FHCA1). Identifiers: Orphanet 238475, MedGen C5542604, MONDO:0031446, OMIM 607748.
Cholestasis, progressive familial intrahepatic, 4. Identifiers: Orphanet 480483, Orphanet 79304, MedGen C2931067, MONDO:0014381, OMIM 615878.

Allele frequency attached by ClinVar (database versions not stated): gnomAD exomes below 0.00001 and 0.00001; TOPMed below 0.00001.
gnomAD v4.1: 3 of 1,602,764 alleles (0.00019%); highest among the groups gnomAD compares: Admixed American, 0.005%; no homozygotes.

Submissions (4):

PreventionGenetics, part of Exact Sciences
Classification: Likely pathogenic for TJP2-related condition. Last evaluated: 2025-10-21. Review status: criteria provided, single submitter. Criteria: ACMG Guidelines, 2015. Collection method: clinical testing. Allele origin: germline.
Comment: The TJP2 c.1056+2T>C variant is predicted to disrupt the GT donor site and interfere with normal splicing. To our knowledge, this variant has not been reported in the literature. This variant is reported in 0.0087% of alleles in individuals of Latino descent in gnomAD. Variants that disrupt the consensus splice donor site in TJP2 are expected to be pathogenic. This variant is interpreted as likely pathogenic.

GeneDx
Classification: Uncertain significance. Last evaluated: 2025-03-13. Review status: criteria provided, single submitter. Criteria: GeneDx Variant Classification Process June 2021. Collection method: clinical testing. Allele origin: germline. Affected: yes.
Comment: Canonical splice site variant predicted to result in a null allele in a gene for which loss of function is a known mechanism of disease; Has not been previously published as pathogenic or benign to our knowledge

Labcorp Genetics (formerly Invitae), Labcorp
Classification: Likely pathogenic. Last evaluated: 2024-05-09. Review status: criteria provided, single submitter. Criteria: Invitae Variant Classification Sherloc (09022015). Collection method: clinical testing. Allele origin: germline.
Comment: This sequence change affects a donor splice site in intron 6 of the TJP2 gene. It is expected to disrupt RNA splicing. Variants that disrupt the donor or acceptor splice site typically lead to a loss of protein function (PMID: 16199547), and loss-of-function variants in TJP2 are known to be pathogenic (PMID: 24614073, 25921221, 28039895). This variant is present in population databases (no rsID available, gnomAD 0.009%). This variant has not been reported in the literature in individuals affected with TJP2-related conditions. ClinVar contains an entry for this variant (Variation ID: 489223). Algorithms developed to predict the effect of sequence changes on RNA splicing suggest that this variant may disrupt the consensus splice site. In summary, the currently available evidence indicates that the variant is pathogenic, but additional data are needed to prove that conclusively. Therefore, this variant has been classified as Likely Pathogenic.

Fulgent Genetics
Classification: Likely pathogenic for Hypercholanemia, familial 1; Cholestasis, progressive familial intrahepatic, 4. Last evaluated: 2018-10-31. Review status: criteria provided, single submitter. Criteria: ACMG Guidelines, 2015. Collection method: clinical testing. Allele origin: unknown.

Literature cited by the submitters: PubMed 16199547 (cited by Labcorp Genetics (formerly Invitae), Labcorp); PubMed 24614073 (cited by Labcorp Genetics (formerly Invitae), Labcorp); PubMed 25921221 (cited by Labcorp Genetics (formerly Invitae), Labcorp); PubMed 28039895 (cited by Labcorp Genetics (formerly Invitae), Labcorp).